The following is an entry in ClinVar:

NM_173689.7(CRB2):c.1203_1228del (p.Gln401fs)

Gene: CRB2 (crumbs cell polarity complex component 2; plus strand). Cytogenetic location: 9q33.3.
Variant type: Deletion.
Coding change: c.1203_1228del on transcript NM_173689.7 (MANE Select); coding-DNA positions 1203 to 1228, 26 bases deleted (GGGCCACACCTGCCCGCTGGCTGCCA).
Protein change: p.Gln401fs; shifts the reading frame from glutamine 401.
Molecular consequence: frameshift variant. On other transcripts: non-coding transcript variant (1).
Genome position (GRCh38, 1-based): chr9:123,370,256-123,370,281, GGGCCACACCTGCCCGCTGGCTGCCA deleted; deleting any 26 consecutive bases within chr9:123,370,246-123,370,281 gives the same sequence; the c. name uses the placement nearest the transcript's 3' end. VCF-style (leftmost placement, unchanged base first): chr9-123370245-ACTGGCTGCCAGGGCCACACCTGCCCG-A. GRCh37 (hg19) VCF-style: chr9-126132524-ACTGGCTGCCAGGGCCACACCTGCCCG-A.
Other names: short protein forms Q401fs.
Identifiers: ClinVar variation 4854958 (VCV004854958.1).

ClinVar aggregate classification (germline): Likely pathogenic (1 of 4 stars; one submission).

Conditions:
Focal segmental glomerulosclerosis 9 (FSGS9). Identifiers: Orphanet 656, MedGen C4015555, MONDO:0014539, OMIM 616220.

Submission:

3billion
Classification: Likely pathogenic for Focal segmental glomerulosclerosis 9. Last evaluated: 2025-11-13. Review status: criteria provided, single submitter. Criteria: ACMG Guidelines, 2015. Collection method: clinical testing. Allele origin: germline. Affected: yes.
Comment: The variant is not observed in the gnomAD v4.1.0 dataset. Predicted Consequence/Location: Frameshift: predicted to result in a loss or disruption of normal protein function through nonsense-mediated decay (NMD) or protein truncation. Multiple pathogenic variants are reported downstream of the variant. Therefore, this variant is classified as Likely pathogenic according to the recommendation of ACMG/AMP guideline.